The following is an entry in ClinVar:

ClinVar aggregate classification (germline): Pathogenic (1 of 4 stars; one submission).

Conditions:
Peroxisome biogenesis disorder 3A (Zellweger). Also called: PEROXISOMAL BIOGENESIS DISORDER 3A (ZELLWEGER); Peroxisome biogenesis disorder 3A. Identifiers: Orphanet 912, MedGen C3553929, MONDO:0013927, OMIM 614859.

Submission:

Labcorp Genetics (formerly Invitae), Labcorp
Classification: Pathogenic for Peroxisome biogenesis disorder 3A (Zellweger). Last evaluated: 2023-01-23. Review status: criteria provided, single submitter. Criteria: Invitae Variant Classification Sherloc (09022015). Collection method: clinical testing. Allele origin: germline.
Comment: This variant disrupts a region of the PEX12 protein in which other variant(s) (p.Gln349del) have been determined to be pathogenic (PMID: 15542397, 21031596, 33123925). This suggests that this is a clinically significant region of the protein, and that variants that disrupt it are likely to be disease-causing. For these reasons, this variant has been classified as Pathogenic. This variant has not been reported in the literature in individuals affected with PEX12-related conditions. This sequence change creates a premature translational stop signal (p.Asn233Lysfs*30) in the PEX12 gene. While this is not anticipated to result in nonsense mediated decay, it is expected to disrupt the last 127 amino acid(s) of the PEX12 protein. This variant is not present in population databases (gnomAD no frequency).

Literature cited by the submitters: PubMed 15542397; PubMed 21031596; PubMed 33123925.

NM_000286.3(PEX12):c.698dup (p.Asn233fs)

Gene: PEX12 (peroxisomal biogenesis factor 12; minus strand). Cytogenetic location: 17q12.
Variant type: Duplication.
Coding change: c.698dup on transcript NM_000286.3 (MANE Select); coding-DNA position 698, one base duplicated (A; older notation c.698dupA).
Protein change: p.Asn233fs; shifts the reading frame from asparagine 233.
Molecular consequence: frameshift variant.
Genome position (GRCh38, 1-based): chr17:35,576,164, T duplicated on the plus strand (A on the coding strand, the reverse complement: PEX12 is on the minus strand); the first of 3 consecutive T bases (chr17:35,576,164-35,576,166); duplicating any one gives the same sequence. VCF-style (leftmost placement, unchanged base first): chr17-35576163-G-GT. GRCh37 (hg19) VCF-style: chr17-33903182-G-GT.
Other names: short protein forms N233fs.
Identifiers: ClinVar variation 2831273 (VCV002831273.3), dbSNP rs2509168475, ClinGen allele CA2739267446.
Genomic context (GRCh38, chr17:35,576,163, plus strand): 5'-CACAGAAAGGCCAGTAGACAGGGATAAGGCAACACCCCCAACAGCTTTCTTCAGAGCTGA[G>GT]TTTATCTTCTCACTAACACTGTTGGGAGAAAAGAACAAGGAGGCAAAGAGAGAAACTTTA-3'